The following is an entry in ClinVar:

NM_001355281.2(NANOGP8):c.912C>T (p.Asp304=)

Gene: NANOGP8 (Nanog homeobox retrogene P8; minus strand). Cytogenetic location: 15q14.
Variant type: single nucleotide variant.
Coding change: c.912C>T on transcript NM_001355281.2 (MANE Select); coding-DNA position 912, C replaced by T.
Protein change: p.Asp304=; no amino-acid change (aspartic acid 304 retained).
Molecular consequence: synonymous variant.
Genome position (GRCh38, 1-based): chr15:35,084,199, G>A on the plus strand (C>T on the coding strand, the complement: NANOGP8 is on the minus strand). VCF-style: chr15-35084199-G-A. GRCh37 (hg19) VCF-style: chr15-35376400-G-A.
Identifiers: ClinVar variation 2645151 (VCV002645151.24), dbSNP rs1233678528, ClinGen allele CA489660826.

ClinVar aggregate classification (germline): Likely benign (1 of 4 stars; one submission).

Submission:

CeGaT Center for Human Genetics Tuebingen
Classification: Likely benign. Last evaluated: 2022-12-01. Review status: criteria provided, single submitter. Criteria: CeGaT Center For Human Genetics Tuebingen Variant Classification Criteria Version 2. Collection method: clinical testing. Allele origin: germline. Affected: yes. Observed: 1 variant allele.
Comment: NANOGP8: PM2:Supporting, BP4, BP7